The following is an entry in ClinVar:

ClinVar aggregate classification (germline): Uncertain significance (1 of 4 stars; one submission).

Conditions:
Autosomal recessive limb-girdle muscular dystrophy type 2J (LGMDR10). Also called: Limb-girdle muscular dystrophy, type 2J; MUSCULAR DYSTROPHY, LIMB-GIRDLE, AUTOSOMAL RECESSIVE 10. Identifiers: Orphanet 140922, MedGen C1837342, MONDO:0012127, OMIM 608807.
Dilated cardiomyopathy 1G (CMD1G). Identifiers: Orphanet 154, MedGen C1858763, MONDO:0011400, OMIM 604145.

gnomAD v4.1: 1 of 1,613,968 alleles (0.000062%); no homozygotes.

Submission:

Labcorp Genetics (formerly Invitae), Labcorp
Classification: Uncertain significance for Dilated cardiomyopathy 1G; Autosomal recessive limb-girdle muscular dystrophy type 2J. Last evaluated: 2024-06-13. Review status: criteria provided, single submitter. Criteria: Invitae Variant Classification Sherloc (09022015). Collection method: clinical testing. Allele origin: germline.
Comment: This sequence change replaces leucine, which is neutral and non-polar, with arginine, which is basic and polar, at codon 34655 of the TTN protein (p.Leu34655Arg). This variant is not present in population databases (gnomAD no frequency). This variant has not been reported in the literature in individuals affected with TTN-related conditions. Experimental studies and prediction algorithms are not available or were not evaluated, and the functional significance of this variant is currently unknown. This variant is located in the M band of TTN (PMID: 25589632). Non-truncating variants in this region may be relevant for neuromuscular disorders, but have not been definitively shown to cause cardiomyopathy (PMID: 23975875). In summary, the available evidence is currently insufficient to determine the role of this variant in disease. Therefore, it has been classified as a Variant of Uncertain Significance.

Literature cited by the submitters: PubMed 25589632; PubMed 23975875.

NM_001267550.2(TTN):c.103964T>G (p.Leu34655Arg)

Genes: TTN-AS1 (TTN antisense RNA 1; plus strand), TTN (titin; minus strand). Cytogenetic location: 2q31.2.
Variant type: single nucleotide variant.
Coding change: c.103964T>G on transcript NM_001267550.2 (MANE Select); coding-DNA position 103964, T replaced by G.
Protein change: p.Leu34655Arg; replaces leucine 34655 with arginine.
Molecular consequence: missense variant.
Genome position (GRCh38, 1-based): chr2:178,532,651, A>C on the plus strand (T>G on the coding strand, the complement: TTN is on the minus strand). VCF-style: chr2-178532651-A-C. GRCh37 (hg19) VCF-style: chr2-179397378-A-C.
Other names: c.99041T>G, p.Leu33014Arg (NM_001256850.1); c.76769T>G, p.Leu25590Arg (NM_003319.4); c.96260T>G, p.Leu32087Arg (NM_133378.4); c.77144T>G, p.Leu25715Arg (NM_133432.3); c.77345T>G, p.Leu25782Arg (NM_133437.4); short protein forms L25590R, L25715R, L25782R, L32087R, L33014R, L34655R.
Identifiers: ClinVar variation 3761498 (VCV003761498.2).
Genomic context (GRCh38, chr2:178,532,651, plus strand): 5'-CTTTTCATTGCTAAGTAGTCATCAATGGGGAGGAGTAATTCTTCATCAGAGATGTCCCCA[A>C]GAGAACGTCTTCTAGGTCGGTAGTAAAAGTCATAATCAGGAGAAGGTGTACGCCGGCGGG-3'
Protein context (NP_001254479.2, residues 34645-34665): DFYYRPRRRS[Leu34655Arg]GDISDEELLL